The following is an entry in ClinVar:

ClinVar aggregate classification (germline): Uncertain significance (1 of 4 stars; one submission).

Conditions:
Juvenile polyposis syndrome (JPS). Identifiers: Orphanet 2929, MedGen C0345893, MONDO:0017380, OMIM 174900.

Submission:

Labcorp Genetics (formerly Invitae), Labcorp
Classification: Uncertain significance for Juvenile polyposis syndrome. Last evaluated: 2024-11-04. Review status: criteria provided, single submitter. Criteria: Invitae Variant Classification Sherloc (09022015). Collection method: clinical testing. Allele origin: germline.
Comment: This sequence change replaces tryptophan, which is neutral and slightly polar, with serine, which is neutral and polar, at codon 504 of the BMPR1A protein (p.Trp504Ser). This variant is not present in population databases (gnomAD no frequency). This variant has not been reported in the literature in individuals affected with BMPR1A-related conditions. Invitae Evidence Modeling of protein sequence and biophysical properties (such as structural, functional, and spatial information, amino acid conservation, physicochemical variation, residue mobility, and thermodynamic stability) has been performed for this missense variant. However, the output from this modeling did not meet the statistical confidence thresholds required to predict the impact of this variant on BMPR1A protein function. In summary, the available evidence is currently insufficient to determine the role of this variant in disease. Therefore, it has been classified as a Variant of Uncertain Significance.

NM_004329.3(BMPR1A):c.1511G>C (p.Trp504Ser)

Gene: BMPR1A (bone morphogenetic protein receptor type 1A; plus strand). Cytogenetic location: 10q23.2.
Variant type: single nucleotide variant.
Coding change: c.1511G>C on transcript NM_004329.3 (MANE Select); coding-DNA position 1511, G replaced by C.
Protein change: p.Trp504Ser; replaces tryptophan 504 with serine.
Molecular consequence: missense variant. On other transcripts: non-coding transcript variant (3).
Genome position (GRCh38, 1-based): chr10:86,923,631, G>C. VCF-style: chr10-86923631-G-C. GRCh37 (hg19) VCF-style: chr10-88683388-G-C.
Other names: c.1169G>C, p.Trp390Ser (NM_001406589.1); c.1511G>C, p.Trp504Ser (NM_001406570.1, NM_001406571.1, NM_001406572.1 and 19 more transcripts); c.1559G>C, p.Trp520Ser (NM_001406560.1); c.1586G>C, p.Trp529Ser (NM_001406559.1); c.1505G>C, p.Trp502Ser (NM_001406583.1); c.1427G>C, p.Trp476Ser (NM_001406584.1, NM_001406585.1, NM_001406586.1 and 2 more transcripts); short protein forms W502S, W520S, W390S, W504S, W529S, W476S.
Identifiers: ClinVar variation 3664754 (VCV003664754.2).